The following is an entry in ClinVar:

NM_003482.4(KMT2D):c.13524C>T (p.Asn4508=)

Gene: KMT2D (lysine methyltransferase 2D; minus strand). Cytogenetic location: 12q13.12.
Variant type: single nucleotide variant.
Coding change: c.13524C>T on transcript NM_003482.4 (MANE Select); coding-DNA position 13524, C replaced by T.
Protein change: p.Asn4508=; no amino-acid change (asparagine 4508 retained).
Molecular consequence: synonymous variant.
Genome position (GRCh38, 1-based): chr12:49,031,181, G>A on the plus strand (C>T on the coding strand, the complement: KMT2D is on the minus strand). VCF-style: chr12-49031181-G-A. GRCh37 (hg19) VCF-style: chr12-49424964-G-A.
Identifiers: ClinVar variation 1301508 (VCV001301508.17), dbSNP rs199676066, ClinGen allele CA6546001.

ClinVar aggregate classification (germline): Likely benign. Review status: criteria provided, multiple submitters, no conflicts (2 of 4 stars). 6 submissions from 6 submitters: Likely benign (5). 1 of the submissions does not count toward it. Last evaluated 2025-10-25.

Conditions:
Kabuki syndrome. Also called: NIIKAWA-KUROKI SYNDROME; Kabuki make-up syndrome. Identifiers: Orphanet 2322, MedGen C0796004, MONDO:0016512.
KMT2D-related disorder. Also called: KMT2D-Related Disorders.

Allele frequency attached by ClinVar (database versions not stated): gnomAD exomes 0.00004; ExAC 0.00007; 1000 Genomes Project 30x 0.00016; gnomAD 0.00019 and 0.00021; TOPMed 0.00019; 1000 Genomes Project 0.00020; ESP Exome Variant Server 0.00024.
gnomAD v4.1: 48 of 1,607,696 alleles (0.003%); highest among the groups gnomAD compares: African/African-American, 0.056%; no homozygotes.

Submissions (6):

Labcorp Genetics (formerly Invitae), Labcorp
Classification: Likely benign for Kabuki syndrome. Last evaluated: 2025-10-25. Review status: criteria provided, single submitter. Criteria: Invitae Variant Classification Sherloc (09022015). Collection method: clinical testing. Allele origin: germline.

Blueprint Genetics
Classification: Likely benign. Last evaluated: 2024-11-01. Review status: criteria provided, single submitter. Criteria: ACMG Guidelines, 2015. Collection method: clinical testing. Allele origin: germline.

GeneDx
Classification: Likely benign. Last evaluated: 2021-04-20. Review status: criteria provided, single submitter. Criteria: GeneDx Variant Classification Process June 2021. Collection method: clinical testing. Allele origin: germline. Affected: yes.

Genetic Services Laboratory, University of Chicago
Classification: Likely benign. Last evaluated: 2020-04-09. Review status: criteria provided, single submitter. Criteria: ACMG Guidelines, 2015. Collection method: clinical testing. Allele origin: germline. Affected: no.

Breakthrough Genomics
Classification: Likely benign. Review status: criteria provided, single submitter. Criteria: ACMG Guidelines, 2015. Collection method: not provided. Allele origin: germline. Inheritance: Autosomal dominant inheritance. Affected: yes.

PreventionGenetics, part of Exact Sciences
Classification: Likely benign for KMT2D-related condition. Last evaluated: 2021-06-17. Review status: no assertion criteria provided. Collection method: clinical testing. Allele origin: germline. Not counted in ClinVar's aggregate classification.
Comment: This variant is classified as likely benign based on ACMG/AMP sequence variant interpretation guidelines (Richards et al. 2015 PMID: 25741868, with internal and published modifications).